The following is an entry in ClinVar:

NM_000051.4(ATM):c.8443G>C (p.Glu2815Gln)

Genes: ATM (ATM serine/threonine kinase; plus strand), C11orf65 (chromosome 11 open reading frame 65; minus strand). Cytogenetic location: 11q22.3.
Variant type: single nucleotide variant.
Coding change: c.8443G>C on transcript NM_000051.4 (MANE Select); coding-DNA position 8443, G replaced by C.
Protein change: p.Glu2815Gln; replaces glutamic acid 2815 with glutamine.
Molecular consequence: missense variant. On other transcripts: intron variant (2).
Genome position (GRCh38, 1-based): chr11:108,345,767, G>C. VCF-style: chr11-108345767-G-C. GRCh37 (hg19) VCF-style: chr11-108216494-G-C.
Other names: c.8443G>C, p.Glu2815Gln (NM_001351834.2); c.641-36696C>G (NM_001330368.2); c.695-10475C>G (NM_001351110.2); short protein forms E2815Q.
Identifiers: ClinVar variation 3223283 (VCV003223283.1), dbSNP rs1214616015, ClinGen allele CA382517843.

ClinVar aggregate classification (germline): Uncertain significance (1 of 4 stars; one submission).

Conditions:
Hereditary cancer-predisposing syndrome. Also called: Tumor predisposition; Hereditary Cancer Syndrome; Hereditary neoplastic syndrome; Neoplastic Syndromes, Hereditary. Identifiers: Orphanet 140162, MedGen C0027672, MeSH D009386, MONDO:0015356.

Allele frequency attached by ClinVar (database versions not stated): gnomAD exomes below 0.00001.
gnomAD v4.1: 1 of 1,612,200 alleles (0.000062%); highest among the groups gnomAD compares: African/African-American, 0.0013%; no homozygotes.

Submission:

Ambry Genetics
Classification: Uncertain significance for Hereditary cancer-predisposing syndrome. Last evaluated: 2024-02-29. Review status: criteria provided, single submitter. Criteria: Ambry Variant Classification Scheme 2023. Collection method: clinical testing. Allele origin: germline.
Comment: The p.E2815Q variant (also known as c.8443G>C), located in coding exon 57 of the ATM gene, results from a G to C substitution at nucleotide position 8443. The glutamic acid at codon 2815 is replaced by glutamine, an amino acid with highly similar properties. This amino acid position is conserved. In addition, this alteration is predicted to be tolerated by in silico analysis. Based on the available evidence, the clinical significance of this alteration remains unclear.